The following is an entry in ClinVar:

NM_000548.5(TSC2):c.2966+24del

Gene: TSC2 (TSC complex subunit 2; plus strand). Cytogenetic location: 16p13.3.
Variant type: Deletion.
Coding change: c.2966+24del on transcript NM_000548.5 (MANE Select); 24 bases into the intron after coding-DNA position 2966, one base deleted (G; older notation c.2966+24delG).
Molecular consequence: intron variant.
Genome position (GRCh38, 1-based): chr16:2,077,750, G deleted; the last of 6 consecutive G bases (chr16:2,077,745-2,077,750); deleting any one gives the same sequence. VCF-style (leftmost placement, unchanged base first): chr16-2077744-TG-T. GRCh37 (hg19) VCF-style: chr16-2127745-TG-T.
Other names: c.2966+24del (NM_001114382.3); c.2837+1165del (NM_021055.3, NM_001370405.1, NM_001363528.2 and 2 more transcripts); c.2726+1165del (NM_001318827.2); c.2237+1165del (NM_001318831.2); c.2690+1165del (NM_001318829.2); c.2870+1165del (NM_001318832.2).
Identifiers: ClinVar variation 931827 (VCV000931827.7), dbSNP rs1188094714, ClinGen allele CA1139664242.
Genomic context (GRCh38, chr16:2,077,744, plus strand): 5'-TCCGGTGCCGCAGCATCAGTGTGTCTGAACATGTGGTCCGCAGGTAGCGGGACTGTCGGG[TG>T]GGGGGCACGGACCCTGGAGCTTGGCCCCGTGAGCACCTGGGTGGCAGTGCATGGGGCTGC-3'

ClinVar aggregate classification (germline): Conflicting classifications of pathogenicity. Review status: criteria provided, conflicting classifications (1 of 4 stars). 2 submissions from 2 submitters: Uncertain significance (1); Likely benign (1). Last evaluated 2025-11-21.

Conditions:
Lymphangiomyomatosis (LAM). Also called: Lymphangioleiomyomatosis, somatic; Lymphangioleiomyomatosis. Identifiers: Orphanet 538, MedGen C0751674, MONDO:0011705, OMIM 606690.
Tuberous sclerosis 2 (TSC2). Identifiers: Orphanet 805, MedGen C1860707, MONDO:0013199, OMIM 613254.

Submissions (2):

Labcorp Genetics (formerly Invitae), Labcorp
Classification: Likely benign for Tuberous sclerosis 2. Last evaluated: 2025-11-21. Review status: criteria provided, single submitter. Criteria: Invitae Variant Classification Sherloc (09022015). Collection method: clinical testing. Allele origin: germline.

Centre for Mendelian Genomics, University Medical Centre Ljubljana
Classification: Uncertain significance for Lymphangiomyomatosis. Last evaluated: 2020-02-19. Review status: criteria provided, single submitter. Criteria: ACMG Guidelines, 2015. Collection method: clinical testing. Allele origin: unknown. Affected: yes.
Comment: This variant was classified as: Uncertain significance. The available evidence on this variant's pathogenicity is insufficient or conflicting. The following ACMG criteria were applied in classifying this variant: PM2,BP4.